The following is an entry in ClinVar:

NM_031407.7(HUWE1):c.1671A>T (p.Leu557=)

Gene: HUWE1 (HECT, UBA and WWE domain containing E3 ubiquitin protein ligase 1; minus strand). Cytogenetic location: Xp11.22.
Variant type: single nucleotide variant.
Coding change: c.1671A>T on transcript NM_031407.7 (MANE Select); coding-DNA position 1671, A replaced by T.
Protein change: p.Leu557=; no amino-acid change (leucine 557 retained).
Molecular consequence: synonymous variant.
Genome position (GRCh38, 1-based): chrX:53,624,596, T>A on the plus strand (A>T on the coding strand, the complement: HUWE1 is on the minus strand). VCF-style: chrX-53624596-T-A. GRCh37 (hg19) VCF-style: chrX-53651557-T-A.
Identifiers: ClinVar variation 2783790 (VCV002783790.3), dbSNP rs1557015356, ClinGen allele CA516438224.

ClinVar aggregate classification (germline): Uncertain significance (1 of 4 stars; one submission).

Allele frequency attached by ClinVar (database versions not stated): gnomAD exomes below 0.00001; TOPMed below 0.00001.
gnomAD v4.1: 2 of 1,187,059 alleles (0.00017%); highest among the groups gnomAD compares: Admixed American, 0.0043%; no homozygotes.

Submission:

Labcorp Genetics (formerly Invitae), Labcorp
Classification: Uncertain significance. Last evaluated: 2024-03-21. Review status: criteria provided, single submitter. Criteria: Invitae Variant Classification Sherloc (09022015). Collection method: clinical testing. Allele origin: germline.
Comment: This sequence change affects codon 557 of the HUWE1 mRNA. It is a 'silent' change, meaning that it does not change the encoded amino acid sequence of the HUWE1 protein. It affects a nucleotide within the consensus splice site. This variant is present in population databases (no rsID available, gnomAD 0.008%). This variant has not been reported in the literature in individuals affected with HUWE1-related conditions. Algorithms developed to predict the effect of sequence changes on RNA splicing suggest that this variant is not likely to affect RNA splicing. In summary, the available evidence is currently insufficient to determine the role of this variant in disease. Therefore, it has been classified as a Variant of Uncertain Significance.